The following is an entry in ClinVar:

ClinVar aggregate classification (germline): Conflicting classifications of pathogenicity. Review status: criteria provided, conflicting classifications (1 of 4 stars). 3 submissions from 3 submitters: Uncertain significance (2); Benign (1). Last evaluated 2025-10-29.

Conditions:
Inborn genetic diseases. Identifiers: MedGen C0950123, MeSH D030342.
Familial cold autoinflammatory syndrome 2 (FCAS2). Identifiers: Orphanet 247868, MedGen C2673198, MONDO:0012724, OMIM 611762.

Allele frequency attached by ClinVar (database versions not stated): TOPMed 0.00005; ESP Exome Variant Server 0.00008; gnomAD 0.00010.
gnomAD v4.1: 26 of 1,614,026 alleles (0.0016%); highest among the groups gnomAD compares: African/African-American, 0.027%; no homozygotes.

Submissions (3):

Labcorp Genetics (formerly Invitae), Labcorp
Classification: Uncertain significance for Familial cold autoinflammatory syndrome 2. Last evaluated: 2025-10-29. Review status: criteria provided, single submitter. Criteria: Invitae Variant Classification Sherloc (09022015). Collection method: clinical testing. Allele origin: germline.
Comment: This sequence change replaces cysteine, which is neutral and slightly polar, with tyrosine, which is neutral and polar, at codon 987 of the NLRP12 protein (p.Cys987Tyr). This variant is present in population databases (rs369502542, gnomAD 0.03%). This variant has not been reported in the literature in individuals affected with NLRP12-related conditions. ClinVar contains an entry for this variant (Variation ID: 651898). Experimental studies and prediction algorithms are not available or were not evaluated, and the functional significance of this variant is currently unknown. In summary, the available evidence is currently insufficient to determine the role of this variant in disease. Therefore, it has been classified as a Variant of Uncertain Significance.

Ambry Genetics
Classification: Uncertain significance for Inborn genetic diseases. Last evaluated: 2024-05-29. Review status: criteria provided, single submitter. Criteria: Ambry Variant Classification Scheme 2023. Collection method: clinical testing. Allele origin: germline.

Illumina Laboratory Services, Illumina
Classification: Benign for Familial cold autoinflammatory syndrome 2. Last evaluated: 2018-01-13. Review status: criteria provided, single submitter. Criteria: ICSL Variant Classification Criteria 13 December 2019. Collection method: clinical testing. Allele origin: germline.
Comment: This variant was observed in the ICSL laboratory as part of a predisposition screen in an ostensibly healthy population. It had not been previously curated by ICSL or reported in the Human Gene Mutation Database (HGMD: prior to June 1st, 2018), and was therefore a candidate for classification through an automated scoring system. Utilizing variant allele frequency, disease prevalence and penetrance estimates, and inheritance mode, an automated score was calculated to assess if this variant is too frequent to cause the disease. Based on the score and internal cut-off values, a variant classified as benign is not then subjected to further curation. The score for this variant resulted in a classification of benign for this disease.

NM_144687.4(NLRP12):c.2960G>A (p.Cys987Tyr)

Gene: NLRP12 (NLR family pyrin domain containing 12; minus strand). Cytogenetic location: 19q13.42.
Variant type: single nucleotide variant.
Coding change: c.2960G>A on transcript NM_144687.4 (MANE Select); coding-DNA position 2960, G replaced by A.
Protein change: p.Cys987Tyr; replaces cysteine 987 with tyrosine.
Molecular consequence: missense variant.
Genome position (GRCh38, 1-based): chr19:53,795,997, C>T on the plus strand (G>A on the coding strand, the complement: NLRP12 is on the minus strand). VCF-style: chr19-53795997-C-T. GRCh37 (hg19) VCF-style: chr19-54299251-C-T.
Other names: c.2963G>A, p.Cys988Tyr (NM_001277126.2); c.2789G>A, p.Cys930Tyr (NM_001277129.1); c.2960G>A (NM_144687.2); short protein forms C930Y, C988Y, C987Y.
Identifiers: ClinVar variation 651898 (VCV000651898.14), dbSNP rs369502542, ClinGen allele CA9638816.